The following is an entry in ClinVar:

NM_004006.3(DMD):c.5864G>A (p.Arg1955His)

Gene: DMD (dystrophin; minus strand). Cytogenetic location: Xp21.1.
Variant type: single nucleotide variant.
Coding change: c.5864G>A on transcript NM_004006.3 (MANE Select); coding-DNA position 5864, G replaced by A.
Protein change: p.Arg1955His; replaces arginine 1955 with histidine.
Molecular consequence: missense variant.
Genome position (GRCh38, 1-based): chrX:32,342,158, C>T on the plus strand (G>A on the coding strand, the complement: DMD is on the minus strand). VCF-style: chrX-32342158-C-T. GRCh37 (hg19) VCF-style: chrX-32360275-C-T.
Other names: c.5840G>A, p.Arg1947His (NM_000109.4); c.5852G>A, p.Arg1951His (NM_004009.3); c.5495G>A, p.Arg1832His (NM_004010.3); c.1841G>A, p.Arg614His (NM_004011.4); c.1832G>A, p.Arg611His (NM_004012.4); short protein forms R1955H, R1947H, R1951H, R611H, R1832H, R614H.
Identifiers: ClinVar variation 518775 (VCV000518775.17), dbSNP rs200455300, ClinGen allele CA10378585.

ClinVar aggregate classification (germline): Uncertain significance. Review status: criteria provided, multiple submitters, no conflicts (2 of 4 stars). 5 submissions from 5 submitters: Uncertain significance (4). 1 of the submissions does not count toward it. Last evaluated 2026-05-01.

Conditions:
Cardiovascular phenotype. Identifiers: MedGen CN230736.
Dystrophin deficiency.
Cardiomyopathy (CMYO). Also called: Cardiomyopathies. Identifiers: Orphanet 167848, MedGen C0878544, MONDO:0004994, HP:0001638. Inheritance: Various modes of inheritance.
Becker muscular dystrophy (BMD). Also called: Becker Muscular Dystrophy (BMD); MUSCULAR DYSTROPHY, PSEUDOHYPERTROPHIC PROGRESSIVE, BECKER TYPE. Identifiers: Orphanet 98895, MedGen C0917713, MONDO:0010311, OMIM 300376.
Duchenne muscular dystrophy (DMD). Also called: Duchenne Muscular Dystrophy (DMD); MUSCULAR DYSTROPHY, PSEUDOHYPERTROPHIC PROGRESSIVE, DUCHENNE TYPE. Identifiers: Orphanet 98896, MedGen C0013264, MONDO:0010679, OMIM 310200.

Allele frequency attached by ClinVar (database versions not stated): gnomAD 0.00001; gnomAD exomes 0.00002; TOPMed 0.00002; ExAC 0.00004; 1000 Genomes Project 30x 0.00021; 1000 Genomes Project 0.00026.
gnomAD v4.1: 22 of 1,208,327 alleles (0.0018%); highest among the groups gnomAD compares: East Asian, 0.0059%; no homozygotes.

Submissions (5):

Ambry Genetics
Classification: Uncertain significance for Cardiovascular phenotype. Last evaluated: 2026-05-01. Review status: criteria provided, single submitter. Criteria: Ambry Variant Classification Scheme 2023. Collection method: clinical testing. Allele origin: germline.
Comment: The p.R1955H variant (also known as c.5864G>A), located in coding exon 41 of the DMD gene, results from a G to A substitution at nucleotide position 5864. The arginine at codon 1955 is replaced by histidine, an amino acid with highly similar properties. This amino acid position is highly conserved in available vertebrate species. In addition, this alteration is predicted to be tolerated by in silico analysis. Based on data from gnomAD, the A allele has an overall frequency of 0.0022% (4/181902) total alleles studied, with 0 hemizygote(s) observed. The highest observed frequency was 0.0073% (1/13757) of East Asian alleles. Based on the available evidence, the clinical significance of this variant remains unclear.

Women's Health and Genetics/Laboratory Corporation of America, LabCorp
Classification: Uncertain significance. Last evaluated: 2026-03-16. Review status: criteria provided, single submitter. Criteria: LabCorp Variant Classification Summary - May 2015. Collection method: clinical testing. Allele origin: germline.
Comment: Variant summary: DMD c.5864G>A (p.Arg1955His) results in a non-conservative amino acid change in the encoded protein sequence. Three of five in-silico tools predict a damaging effect of the variant on protein function. The variant allele was found at a frequency of 2.2e-05 in 181902 control chromosomes. The available data on variant occurrences in the general population are insufficient to allow any conclusion about variant significance. c.5864G>A has been reported in the literature in at-least one individual affected with Myopathy and/or hyperCKemia (example: Invernizzi_2023). These report(s) do not provide unequivocal conclusions about association of the variant with Dystrophinopathies. To our knowledge, no experimental evidence demonstrating an impact on protein function has been reported. The following publication has been ascertained in the context of this evaluation (PMID: 37510298). ClinVar contains an entry for this variant (Variation ID: 518775). Based on the evidence outlined above, the variant was classified as uncertain significance.

Labcorp Genetics (formerly Invitae), Labcorp
Classification: Uncertain significance for Duchenne muscular dystrophy. Last evaluated: 2025-12-15. Review status: criteria provided, single submitter. Criteria: Invitae Variant Classification Sherloc (09022015). Collection method: clinical testing. Allele origin: germline.
Comment: This sequence change replaces arginine, which is basic and polar, with histidine, which is basic and polar, at codon 1955 of the DMD protein (p.Arg1955His). This variant is present in population databases (rs200455300, gnomAD 0.008%). This missense change has been observed in individual(s) with DMD-related conditions (PMID: 37510298). ClinVar contains an entry for this variant (Variation ID: 518775). Invitae Evidence Modeling of protein sequence and biophysical properties (such as structural, functional, and spatial information, amino acid conservation, physicochemical variation, residue mobility, and thermodynamic stability) indicates that this missense variant is not expected to disrupt DMD protein function with a negative predictive value of 95%. In summary, the available evidence is currently insufficient to determine the role of this variant in disease. Therefore, it has been classified as a Variant of Uncertain Significance.

Eurofins Ntd Llc (ga)
Classification: Uncertain significance. Last evaluated: 2017-12-07. Review status: criteria provided, single submitter. Criteria: EGL Classification Definitions 2015. Collection method: clinical testing. Allele origin: germline. Observed: 1 variant allele, 1 hemizygote.

Natera, Inc.
Classification: Uncertain significance for Becker muscular dystrophy; Cardiomyopathy; Duchenne muscular dystrophy; Dystrophin deficiency. Last evaluated: 2018-06-06. Review status: no assertion criteria provided. Collection method: clinical testing. Allele origin: germline. Not counted in ClinVar's aggregate classification.

Literature cited by the submitters: PubMed 37510298 (cited by Women's Health and Genetics/Laboratory Corporation of America, LabCorp and Labcorp Genetics (formerly Invitae), Labcorp).